The following is an entry in ClinVar:

ClinVar aggregate classification (germline): Uncertain significance. Review status: criteria provided, multiple submitters, no conflicts (2 of 4 stars). 2 submissions from 2 submitters: Uncertain significance (2). Last evaluated 2025-06-30.

Submissions (2):

GeneDx
Classification: Uncertain significance. Last evaluated: 2025-06-30. Review status: criteria provided, single submitter. Criteria: GeneDx Variant Classification Process June 2021. Collection method: clinical testing. Allele origin: germline.
Comment: Not observed at significant frequency in large population cohorts (gnomAD); In-frame deletion of 12 amino acid(s) in a non-repeat region; In silico analysis suggests that this variant does not alter protein structure/function; Has not been previously published as pathogenic or benign to our knowledge

Labcorp Genetics (formerly Invitae), Labcorp
Classification: Uncertain significance. Last evaluated: 2024-12-02. Review status: criteria provided, single submitter. Criteria: Invitae Variant Classification Sherloc (09022015). Collection method: clinical testing. Allele origin: germline.
Comment: This variant, c.2881_2916del, results in the deletion of 12 amino acid(s) of the KAT6A protein (p.Arg961_Arg972del), but otherwise preserves the integrity of the reading frame. This variant is not present in population databases (gnomAD no frequency). This variant has not been reported in the literature in individuals affected with KAT6A-related conditions. ClinVar contains an entry for this variant (Variation ID: 2702797). Experimental studies and prediction algorithms are not available or were not evaluated, and the functional significance of this variant is currently unknown. In summary, the available evidence is currently insufficient to determine the role of this variant in disease. Therefore, it has been classified as a Variant of Uncertain Significance.

NM_006766.5(KAT6A):c.2881_2916del (p.Arg961_Arg972del)

Gene: KAT6A (lysine acetyltransferase 6A; minus strand). Cytogenetic location: 8p11.21.
Variant type: Deletion.
Coding change: c.2881_2916del on transcript NM_006766.5 (MANE Select); coding-DNA positions 2881 to 2916, 36 bases deleted.
Protein change: p.Arg961_Arg972del.
Molecular consequence: inframe deletion.
Genome position (GRCh38, 1-based): chr8:41,940,965-41,941,000, 36 bases deleted; deleting any 36 consecutive bases within chr8:41,940,965-41,941,002 gives the same sequence; the c. name uses the placement nearest the transcript's 3' end. GRCh37 (hg19): chr8:41,798,485-41,798,520.
Other names: c.2881_2916del (NM_006766.3).
Identifiers: ClinVar variation 2702797 (VCV002702797.5), dbSNP rs2486770710, ClinGen allele CA2697549894.
Genomic context (GRCh38, chr8:41,940,964, plus strand): 5'-CCTCCTCCTCCTCGCTGCTCTCACTGAAGCCCCTGAGGACAGCCCTGTCACCCTCACTGT[AGCGACGGGGCAGCCTCTCACTTCCTTCTGTTAATCT>A]GCACTTCAGAGCCTCAGGGCTTTTCTTGAGCTGTCCTCGCCAGGGCTCAACCCCCTCACT-3'